The following is an entry in ClinVar:

ClinVar aggregate classification (germline): Uncertain significance (1 of 4 stars; one submission).

Conditions:
Cardiovascular phenotype. Identifiers: MedGen CN230736.

Allele frequency attached by ClinVar (database versions not stated): gnomAD exomes below 0.00001.
gnomAD v4.1: 1 of 1,614,022 alleles (0.000062%); highest among the groups gnomAD compares: Admixed American, 0.0017%; no homozygotes.

Submission:

Ambry Genetics
Classification: Uncertain significance for Cardiovascular phenotype. Last evaluated: 2025-08-12. Review status: criteria provided, single submitter. Criteria: Ambry Variant Classification Scheme 2023. Collection method: clinical testing. Allele origin: germline.
Comment: The p.V5I variant (also known as c.13G>A), located in coding exon 1 of the APOC3 gene, results from a G to A substitution at nucleotide position 13. The valine at codon 5 is replaced by isoleucine, an amino acid with highly similar properties. This amino acid position is conserved. In addition, this alteration is predicted to be tolerated by in silico analysis. Since supporting evidence is limited at this time, the clinical significance of this alteration remains unclear.

NM_000040.3(APOC3):c.13G>A (p.Val5Ile)

Gene: APOC3 (apolipoprotein C3; plus strand). Cytogenetic location: 11q23.3.
Variant type: single nucleotide variant.
Coding change: c.13G>A on transcript NM_000040.3 (MANE Select); coding-DNA position 13, G replaced by A.
Protein change: p.Val5Ile; replaces valine 5 with isoleucine.
Molecular consequence: missense variant.
Genome position (GRCh38, 1-based): chr11:116,830,595, G>A. VCF-style: chr11-116830595-G-A. GRCh37 (hg19) VCF-style: chr11-116701311-G-A.
Other names: short protein forms V5I.
Identifiers: ClinVar variation 2450867 (VCV002450867.3), dbSNP rs1233723737, ClinGen allele CA382709542.